The following is an entry in ClinVar:

NM_178822.5(IGSF10):c.7348C>T (p.Leu2450=)

Gene: IGSF10 (immunoglobulin superfamily member 10; minus strand). Cytogenetic location: 3q25.1.
Variant type: single nucleotide variant.
Coding change: c.7348C>T on transcript NM_178822.5 (MANE Select); coding-DNA position 7348, C replaced by T.
Protein change: p.Leu2450=; no amino-acid change (leucine 2450 retained).
Molecular consequence: synonymous variant.
Genome position (GRCh38, 1-based): chr3:151,437,213, G>A on the plus strand (C>T on the coding strand, the complement: IGSF10 is on the minus strand). VCF-style: chr3-151437213-G-A. GRCh37 (hg19) VCF-style: chr3-151155001-G-A.
Other names: c.1285C>T, p.Leu429= (NM_001178145.3, NM_001178146.3); c.7348C>T, p.Leu2450= (NM_001385060.1, NM_001385061.1, NM_001385062.1 and 1 more transcripts).
Identifiers: ClinVar variation 775917 (VCV000775917.13), dbSNP rs111468413, ClinGen allele CA2669289.

ClinVar aggregate classification (germline): Benign. Review status: criteria provided, multiple submitters, no conflicts (2 of 4 stars). 3 submissions from 3 submitters: Benign (2). 1 of the submissions does not count toward it. Last evaluated 2025-10-24.

Conditions:
IGSF10-related disorder. Also called: IGSF10-related condition.

Allele frequency attached by ClinVar (database versions not stated): gnomAD exomes 0.00084 and 0.00237; ExAC 0.00284; 1000 Genomes Project 0.00799; gnomAD 0.00815 and 0.00868; 1000 Genomes Project 30x 0.00921; TOPMed 0.00943; ESP Exome Variant Server 0.01030.
gnomAD v4.1: 2,539 of 1,614,144 alleles (0.16%); highest among the groups gnomAD compares: African/African-American, 3%; 28 homozygotes.

Submissions (3):

Labcorp Genetics (formerly Invitae), Labcorp
Classification: Benign. Last evaluated: 2025-10-24. Review status: criteria provided, single submitter. Criteria: Invitae Variant Classification Sherloc (09022015). Collection method: clinical testing. Allele origin: germline.

Breakthrough Genomics
Classification: Benign. Review status: criteria provided, single submitter. Criteria: ACMG Guidelines, 2015. Collection method: not provided. Allele origin: germline. Inheritance: Unknown mechanism. Affected: yes.

PreventionGenetics, part of Exact Sciences
Classification: Likely benign for IGSF10-related condition. Last evaluated: 2019-03-22. Review status: no assertion criteria provided. Collection method: clinical testing. Allele origin: germline. Not counted in ClinVar's aggregate classification.
Comment: This variant is classified as likely benign based on ACMG/AMP sequence variant interpretation guidelines (Richards et al. 2015 PMID: 25741868, with internal and published modifications).